The following is an entry in ClinVar:

NM_000182.5(HADHA):c.180+1G>A

Gene: HADHA (hydroxyacyl-CoA dehydrogenase trifunctional multienzyme complex subunit alpha; minus strand). Cytogenetic location: 2p23.3.
Variant type: single nucleotide variant.
Coding change: c.180+1G>A on transcript NM_000182.5 (MANE Select); the canonical splice donor site of the intron after coding-DNA position 180, G replaced by A.
Molecular consequence: splice donor variant.
Genome position (GRCh38, 1-based): chr2:26,238,933, C>T on the plus strand (G>A on the coding strand, the complement: HADHA is on the minus strand). VCF-style: chr2-26238933-C-T. GRCh37 (hg19) VCF-style: chr2-26461801-C-T.
Other names: IVS3, G-A, +1.
Identifiers: ClinVar variation 8730 (VCV000008730.14), dbSNP rs786205088, ClinGen allele CA340817.

ClinVar aggregate classification (germline): Pathogenic/Likely pathogenic. Review status: criteria provided, multiple submitters, no conflicts (2 of 4 stars). 7 submissions from 7 submitters: Pathogenic (4); Likely pathogenic (1). 2 of the submissions do not count toward it. Last evaluated 2025-10-13.

Conditions:
Mitochondrial trifunctional protein deficiency 1 (MTPD1). Identifiers: MedGen CN376812, MONDO:0958181, OMIM 609015.
HADHA-related disorder. Also called: HADHA-related condition; HADHA-related disorders.
Long chain 3-hydroxyacyl-CoA dehydrogenase deficiency. Also called: LCHAD Deficiency; Deficiency of long-chain 3-hydroxyacyl-coenzyme A dehydrogenase. Identifiers: Orphanet 5, MedGen C3711645, MONDO:0012173, OMIM 609016.
Mitochondrial trifunctional protein deficiency. Identifiers: Orphanet 746, MedGen C1969443, MONDO:0012172.

Allele frequency attached by ClinVar (database versions not stated): gnomAD exomes below 0.00001; gnomAD 0.00001; TOPMed 0.00001.
gnomAD v4.1: 5 of 1,584,870 alleles (0.00032%); highest among the groups gnomAD compares: South Asian, 0.0011%; no homozygotes.

Submissions (7):

Natera, Inc.
Classification: Pathogenic for Deficiency of long-chain 3-hydroxyacyl-coenzyme A dehydrogenase. Last evaluated: 2025-10-13. Review status: criteria provided, single submitter. Criteria: Natera Variant Classification Schema (03/2026). Collection method: clinical testing. Allele origin: germline.
Comment: The c.180+1G>A variant in HADHA is a canonical splice donor site variant predicted to affect pre-mRNA splicing, which may result in an abnormal transcript and altered protein product. This variant is expected to result in nonsense mediated decay, truncation, or a dysfunctional protein product. This variant is rare in the general population with a frequency below the threshold expected for the associated phenotype(s). This variant has been observed in one or more individuals affected with the associated recessive disease, as either homozygous or compound heterozygous with a second variant (PMID: 10352164). Given the available evidence, this variant is classified as Pathogenic.

PreventionGenetics, part of Exact Sciences
Classification: Pathogenic for HADHA-related condition. Last evaluated: 2025-02-01. Review status: criteria provided, single submitter. Criteria: ACMG Guidelines, 2015. Collection method: clinical testing. Allele origin: germline.
Comment: The HADHA c.180+1G>A variant is predicted to disrupt the GT donor site and interfere with normal splicing. This variant was reported in the compound heterozygous state in an individual with clinical and biochemical features consistent with mitochondrial trifunctional protein deficiency (Brackett et al. 1995. PubMed ID: 7738175). This variant has not been reported in a large population database (gnomAD), indicating this variant is rare. Variants that disrupt the consensus splice donor site in HADHA are expected to be pathogenic. This variant is interpreted as pathogenic.

Labcorp Genetics (formerly Invitae), Labcorp
Classification: Pathogenic for Mitochondrial trifunctional protein deficiency; Long chain 3-hydroxyacyl-CoA dehydrogenase deficiency. Last evaluated: 2024-02-13. Review status: criteria provided, single submitter. Criteria: Invitae Variant Classification Sherloc (09022015). Collection method: clinical testing. Allele origin: germline.
Comment: This sequence change affects a donor splice site in intron 3 of the HADHA gene. RNA analysis indicates that disruption of this splice site induces altered splicing and may result in an absent or disrupted protein product. This variant is not present in population databases (gnomAD no frequency). Disruption of this splice site has been observed in individual(s) with mitochondrial trifunctional protein deficiency (PMID: 7738175). In at least one individual the data is consistent with being in trans (on the opposite chromosome) from a pathogenic variant. ClinVar contains an entry for this variant (Variation ID: 8730). Studies have shown that disruption of this splice site results in skipping of exon 3 and introduces a premature termination codon (PMID: 7738175). The resulting mRNA is expected to undergo nonsense-mediated decay. For these reasons, this variant has been classified as Pathogenic.

Baylor Genetics
Classification: Pathogenic for Long chain 3-hydroxyacyl-CoA dehydrogenase deficiency. Last evaluated: 2023-10-12. Review status: criteria provided, single submitter. Criteria: ACMG Guidelines, 2015. Collection method: clinical testing. Allele origin: unknown.

Women's Health and Genetics/Laboratory Corporation of America, LabCorp
Classification: Likely pathogenic for Mitochondrial trifunctional protein deficiency. Last evaluated: 2019-06-14. Review status: criteria provided, single submitter. Criteria: LabCorp Variant Classification Summary - May 2015. Collection method: clinical testing. Allele origin: germline.
Comment: Variant summary: HADHA c.180+1G>A is located in a canonical splice-site and is predicted to affect mRNA splicing resulting in a significantly altered protein due to either exon skipping, shortening, or inclusion of intronic material. Several computational tools predict a significant impact on normal splicing: Four predict the variant abolishes a 5' splicing donor site. Two predict the variant abolishes a 3' acceptor site. However, these predictions have yet to be confirmed by functional studies. The variant was absent in 251376 control chromosomes (gnomAD). c.180+1G>A has been reported in the literature in at least one individual affected with Mitochondrial trifunctional protein deficiency with deletion of exon 3 of HADHA cDNA (Brackett_1995, Ibdah_1999). These data do not allow any conclusion about variant significance. To our knowledge, no experimental evidence demonstrating an impact on protein function has been reported. A ClinVar submission from a clinical diagnostic laboratory (evaluation after 2014) cite the variant as likely pathogenic. Based on the evidence outlined above, the variant was classified as likely pathogenic.

Counsyl
Classification: Likely pathogenic for Long chain 3-hydroxyacyl-CoA dehydrogenase deficiency. Last evaluated: 2017-02-08. Review status: no assertion criteria provided. Collection method: clinical testing. Allele origin: unknown. Not counted in ClinVar's aggregate classification.

OMIM
Classification: Pathogenic for MITOCHONDRIAL TRIFUNCTIONAL PROTEIN DEFICIENCY 1. Last evaluated: 1995-05-01. Review status: no assertion criteria provided. Collection method: literature only. Allele origin: germline. Not counted in ClinVar's aggregate classification.

Literature cited by the submitters: PubMed 10352164 (cited by Natera, Inc. and Women's Health and Genetics/Laboratory Corporation of America, LabCorp); PubMed 7738175 (cited by 4 submitters); PubMed 25525159 (cited by Women's Health and Genetics/Laboratory Corporation of America, LabCorp); PubMed 14630990 (cited by Women's Health and Genetics/Laboratory Corporation of America, LabCorp).